The following is an entry in ClinVar:

ClinVar aggregate classification (germline): Uncertain significance (1 of 4 stars; one submission).

Conditions:
Autosomal dominant childhood-onset proximal spinal muscular atrophy with contractures (SMALED2A). Also called: Spinal muscular atrophy, lower extremity-predominant, 2A, autosomal dominant; SPINAL MUSCULAR ATROPHY, LOWER EXTREMITY-PREDOMINANT, 2A, CHILDHOOD ONSET, AUTOSOMAL DOMINANT. Identifiers: Orphanet 363447, Orphanet 363454, MedGen C4747715, MONDO:0014121, OMIM 615290.

Submission:

Labcorp Genetics (formerly Invitae), Labcorp
Classification: Uncertain significance for Autosomal dominant childhood-onset proximal spinal muscular atrophy with contractures. Last evaluated: 2018-03-14. Review status: criteria provided, single submitter. Criteria: Invitae Variant Classification Sherloc (09022015). Collection method: clinical testing. Allele origin: germline.
Comment: This variant, c.2224_2226dupACC, results in the insertion of 1 amino acid to the BICD2 protein (p.Thr742dup), but otherwise preserves the integrity of the reading frame. This variant is not present in population databases (ExAC no frequency). In summary, the available evidence is currently insufficient to determine the role of this variant in disease. Therefore, it has been classified as a Variant of Uncertain Significance. Experimental studies and prediction algorithms are not available for this variant, and the functional significance of the duplicated amino acid is currently unknown. This variant has not been reported in the literature in individuals with BICD2-related disease.

NM_001003800.2(BICD2):c.2224_2226dup (p.Thr742dup)

Gene: BICD2 (BICD cargo adaptor 2; minus strand). Cytogenetic location: 9q22.31.
Variant type: Duplication.
Coding change: c.2224_2226dup on transcript NM_001003800.2 (MANE Select); coding-DNA positions 2224 to 2226, 3 bases duplicated (ACC; older notation c.2224_2226dupACC).
Protein change: p.Thr742dup; duplicates threonine 742.
Molecular consequence: inframe insertion.
Genome position (GRCh38, 1-based): chr9:92,717,829-92,717,831, GGT duplicated on the plus strand (ACC on the coding strand, the reverse complement: BICD2 is on the minus strand); duplicating any 3 consecutive bases within chr9:92,717,829-92,717,833 gives the same sequence; the c. name uses the placement nearest the transcript's 3' end. VCF-style (leftmost placement, unchanged base first): chr9-92717828-A-AGGT. GRCh37 (hg19) VCF-style: chr9-95480110-A-AGGT.
Other names: c.2224_2226dup, p.Thr742dup (NM_015250.4); c.2224_2226dupACC (NM_001003800.1).
Identifiers: ClinVar variation 541291 (VCV000541291.9), dbSNP rs1554705227, ClinGen allele CA658797225.